The following is an entry in ClinVar:

ClinVar aggregate classification (germline): Likely benign (1 of 4 stars; one submission).

Conditions:
Phosphoenolpyruvate carboxykinase deficiency, cytosolic (PCKDC). Also called: PCK1 DEFICIENCY, CYTOSOLIC; PEPCK DEFICIENCY, CYTOSOLIC. Identifiers: Orphanet 2880, MedGen C5574905, MONDO:0009866, OMIM 261680.

Allele frequency attached by ClinVar (database versions not stated): ExAC 0.00077; ESP Exome Variant Server 0.00165; TOPMed 0.00243; 1000 Genomes Project 0.00319; 1000 Genomes Project 30x 0.00390.

Submission:

Illumina Laboratory Services, Illumina
Classification: Likely benign for Phosphoenolpyruvate carboxykinase deficiency, cytosolic. Last evaluated: 2018-01-12. Review status: criteria provided, single submitter. Criteria: ICSL Variant Classification Criteria 13 December 2019. Collection method: clinical testing. Allele origin: germline.
Comment: This variant was observed in the ICSL laboratory as part of a predisposition screen in an ostensibly healthy population. It had not been previously curated by ICSL or reported in the Human Gene Mutation Database (HGMD: prior to June 1st, 2018), and was therefore a candidate for classification through an automated scoring system. Utilizing variant allele frequency, disease prevalence and penetrance estimates, and inheritance mode, an automated score was calculated to assess if this variant is too frequent to cause the disease. Based on the score and internal cut-off values, a variant classified as likely benign is not then subjected to further curation. The score for this variant resulted in a classification of likely benign for this disease.

NM_002591.4(PCK1):c.*51G>C

Gene: PCK1 (phosphoenolpyruvate carboxykinase 1; plus strand). Cytogenetic location: 20q13.31.
Variant type: single nucleotide variant.
Coding change: c.*51G>C on transcript NM_002591.4 (MANE Select); 51 bases downstream of the stop codon, G replaced by C.
Molecular consequence: 3 prime UTR variant.
Genome position (GRCh38, 1-based): chr20:57,565,855, G>C. VCF-style: chr20-57565855-G-C. GRCh37 (hg19) VCF-style: chr20-56140911-G-C.
Identifiers: ClinVar variation 338896 (VCV000338896.5), dbSNP rs6025630, ClinGen allele CA9922488.
Genomic context (GRCh38, chr20:57,565,855, plus strand): 5'-CCAGATGTAATCAGGGCCTGAGTGCTTTACCTTTAAAATCATTCCCTTTCCCATCCATAA[G>C]GTGCAGTAGGAGCAAGAGAGGGCAAGTGTTCCCAAATTGACGCCACCATAATAATCATCA-3'